The following is an entry in ClinVar:

NM_000540.3(RYR1):c.13151C>G (p.Pro4384Arg)

Gene: RYR1 (ryanodine receptor 1; plus strand). Cytogenetic location: 19q13.2.
Variant type: single nucleotide variant.
Coding change: c.13151C>G on transcript NM_000540.3 (MANE Select); coding-DNA position 13151, C replaced by G.
Protein change: p.Pro4384Arg; replaces proline 4384 with arginine.
Molecular consequence: missense variant.
Genome position (GRCh38, 1-based): chr19:38,565,485, C>G. VCF-style: chr19-38565485-C-G. GRCh37 (hg19) VCF-style: chr19-39056125-C-G.
Other names: c.13136C>G, p.Pro4379Arg (NM_001042723.2); short protein forms P4379R, P4384R.
Identifiers: ClinVar variation 4802132 (VCV004802132.1).

ClinVar aggregate classification (germline): Uncertain significance (1 of 4 stars; one submission).

Conditions:
RYR1-related disorder. Also called: RYR1-related condition; RYR1-related disorders. Identifiers: MedGen CN239331.

Submission:

Labcorp Genetics (formerly Invitae), Labcorp
Classification: Uncertain significance for RYR1-related disorder. Last evaluated: 2025-04-30. Review status: criteria provided, single submitter. Criteria: Invitae Variant Classification Sherloc (09022015). Collection method: clinical testing. Allele origin: germline.
Comment: This sequence change replaces proline, which is neutral and non-polar, with arginine, which is basic and polar, at codon 4384 of the RYR1 protein (p.Pro4384Arg). This variant is not present in population databases (gnomAD no frequency). This variant has not been reported in the literature in individuals affected with RYR1-related conditions. Invitae Evidence Modeling of protein sequence and biophysical properties (such as structural, functional, and spatial information, amino acid conservation, physicochemical variation, residue mobility, and thermodynamic stability) indicates that this missense variant is not expected to disrupt RYR1 protein function with a negative predictive value of 80%. In summary, the available evidence is currently insufficient to determine the role of this variant in disease. Therefore, it has been classified as a Variant of Uncertain Significance.